The following is an entry in ClinVar:

ClinVar aggregate classification (germline): Uncertain significance. Review status: criteria provided, multiple submitters, no conflicts (2 of 4 stars). 3 submissions from 3 submitters: Uncertain significance (3). Last evaluated 2025-10-09.

Conditions:
Cardiovascular phenotype. Identifiers: MedGen CN230736.
Arrhythmogenic right ventricular dysplasia 12. Also called: ARRHYTHMOGENIC RIGHT VENTRICULAR DYSPLASIA, FAMILIAL, 12. Identifiers: MedGen C1969081, MONDO:0012684, OMIM 611528.
Naxos disease (NXD). Also called: MAL DE NAXOS; PALMOPLANTAR KERATODERMA WITH ARRHYTHMOGENIC RIGHT VENTRICULAR CARDIOMYOPATHY AND WOOLLY HAIR; WOOLLY HAIR, PALMOPLANTAR KERATODERMA, AND CARDIAC ABNORMALITIES; KERATOSIS PALMOPLANTARIS WITH ARRHYTHMOGENIC CARDIOMYOPATHY; CARDIOMYOPATHY, ARRHYTHMOGENIC RIGHT VENTRICULAR, WITH SKIN, HAIR, AND NAIL ABNORMALITIES. Identifiers: Orphanet 34217, MedGen C1832600, MONDO:0011017, OMIM 601214.

Allele frequency attached by ClinVar (database versions not stated): gnomAD exomes below 0.00001 and 0.00001; TOPMed 0.00001; gnomAD 0.00002.

Submissions (3):

Labcorp Genetics (formerly Invitae), Labcorp
Classification: Uncertain significance for Arrhythmogenic right ventricular dysplasia 12; Naxos disease. Last evaluated: 2025-10-09. Review status: criteria provided, single submitter. Criteria: Invitae Variant Classification Sherloc (09022015). Collection method: clinical testing. Allele origin: germline.
Comment: This sequence change replaces arginine, which is basic and polar, with tryptophan, which is neutral and slightly polar, at codon 216 of the JUP protein (p.Arg216Trp). The frequency data for this variant in the population databases is considered unreliable, as metrics indicate poor data quality at this position in the gnomAD database. This variant has not been reported in the literature in individuals affected with JUP-related conditions. ClinVar contains an entry for this variant (Variation ID: 853171). An algorithm developed to predict the effect of missense changes on protein structure and function (PolyPhen-2) suggests that this variant is likely to be disruptive. In summary, the available evidence is currently insufficient to determine the role of this variant in disease. Therefore, it has been classified as a Variant of Uncertain Significance.

Ambry Genetics
Classification: Uncertain significance for Cardiovascular phenotype. Last evaluated: 2023-12-04. Review status: criteria provided, single submitter. Criteria: Ambry Variant Classification Scheme 2023. Collection method: clinical testing. Allele origin: germline.
Comment: The p.R216W variant (also known as c.646C>T), located in coding exon 3 of the JUP gene, results from a C to T substitution at nucleotide position 646. The arginine at codon 216 is replaced by tryptophan, an amino acid with dissimilar properties. This amino acid position is conserved. In addition, this alteration is predicted to be deleterious by in silico analysis. Since supporting evidence is limited at this time, the clinical significance of this alteration remains unclear.

Fulgent Genetics
Classification: Uncertain significance for Naxos disease; Arrhythmogenic right ventricular dysplasia 12. Last evaluated: 2021-11-11. Review status: criteria provided, single submitter. Criteria: ACMG Guidelines, 2015. Collection method: clinical testing. Allele origin: unknown.

NM_002230.4(JUP):c.646C>T (p.Arg216Trp)

Gene: JUP (junction plakoglobin; minus strand). Cytogenetic location: 17q21.2.
Variant type: single nucleotide variant.
Coding change: c.646C>T on transcript NM_002230.4 (MANE Select); coding-DNA position 646, C replaced by T.
Protein change: p.Arg216Trp; replaces arginine 216 with tryptophan.
Molecular consequence: missense variant.
Genome position (GRCh38, 1-based): chr17:41,769,030, G>A on the plus strand (C>T on the coding strand, the complement: JUP is on the minus strand). VCF-style: chr17-41769030-G-A. GRCh37 (hg19) VCF-style: chr17-39925282-G-A.
Other names: c.646C>T, p.Arg216Trp (NM_001352773.2, NM_001352774.2, NM_001352775.2 and 3 more transcripts); short protein forms R216W.
Identifiers: ClinVar variation 853171 (VCV000853171.9), dbSNP rs1490199319, ClinGen allele CA399502700.
Genomic context (GRCh38, chr17:41,769,030, plus strand): 5'-TGAGCATGCGGACCAGAGCAGGGATGCCACCCGACTTGAAGATGGCGAGCAGCCCCTCCC[G>A]GTGGTGGGAGAGGTTGTGCAGGATGCTGGTGGTGCAGCGGGCTGTGTCCAGGTCGCTGGT-3'
Protein context (NP_002221.1, residues 206-226): TSILHNLSHH[Arg216Trp]EGLLAIFKSG